The following is an entry in ClinVar:

ClinVar aggregate classification (germline): Likely pathogenic (1 of 4 stars; one submission).

Conditions:
Peroxisome biogenesis disorder, complementation group K (CGK). Identifiers: MedGen C1866257, MONDO:0800365.

Submission:

Labcorp Genetics (formerly Invitae), Labcorp
Classification: Likely pathogenic for Peroxisome biogenesis disorder, complementation group K. Last evaluated: 2023-10-17. Review status: criteria provided, single submitter. Criteria: Invitae Variant Classification Sherloc (09022015). Collection method: clinical testing. Allele origin: germline.
Comment: This variant results in the deletion of part of exon 5 (c.299-5_306del) of the PEX14 gene. It is expected to disrupt RNA splicing. Variants that disrupt the donor or acceptor splice site typically lead to a loss of protein function (PMID: 16199547), and loss-of-function variants in PEX14 are known to be pathogenic (PMID: 15146459, 18285423, 26627464). This variant is not present in population databases (gnomAD no frequency). This variant has not been reported in the literature in individuals affected with PEX14-related conditions. In summary, the currently available evidence indicates that the variant is pathogenic, but additional data are needed to prove that conclusively. Therefore, this variant has been classified as Likely Pathogenic.

Literature cited by the submitters: PubMed 16199547; PubMed 15146459; PubMed 18285423; PubMed 26627464.

NM_004565.3(PEX14):c.299-5_306del

Gene: PEX14 (peroxisomal biogenesis factor 14; plus strand). Cytogenetic location: 1p36.22.
Variant type: Deletion.
Coding change: c.299-5_306del on transcript NM_004565.3 (MANE Select); 5 bases into the intron before coding-DNA position 299 through coding-DNA position 306, 13 bases deleted (TGTAGGTCCCGCA).
Molecular consequence: splice acceptor variant.
Genome position (GRCh38, 1-based): chr1:10,618,327-10,618,339, TGTAGGTCCCGCA deleted. VCF-style (leftmost placement, unchanged base first): chr1-10618326-CTGTAGGTCCCGCA-C. GRCh37 (hg19) VCF-style: chr1-10678383-CTGTAGGTCCCGCA-C.
Identifiers: ClinVar variation 2769432 (VCV002769432.3), dbSNP rs2521826589, ClinGen allele CA2697552158.